The following is an entry in ClinVar:

ClinVar aggregate classification (germline): Uncertain significance (1 of 4 stars; one submission).

Conditions:
Ullrich congenital muscular dystrophy 2 (UCMD2). Identifiers: Orphanet 75840, MedGen C4225314, MONDO:0014654, OMIM 616470.
Bethlem myopathy 2 (BTHLM2). Identifiers: Orphanet 536516, Orphanet 610, MedGen C4225313, MONDO:0034022, OMIM 616471.

Submission:

Labcorp Genetics (formerly Invitae), Labcorp
Classification: Uncertain significance for Bethlem myopathy 2; Ullrich congenital muscular dystrophy 2. Last evaluated: 2022-04-20. Review status: criteria provided, single submitter. Criteria: Invitae Variant Classification Sherloc (09022015). Collection method: clinical testing. Allele origin: germline.
Comment: This sequence change replaces glycine, which is neutral and non-polar, with arginine, which is basic and polar, at codon 409 of the COL12A1 protein (p.Gly409Arg). This variant is not present in population databases (gnomAD no frequency). This variant has not been reported in the literature in individuals affected with COL12A1-related conditions. Algorithms developed to predict the effect of missense changes on protein structure and function are either unavailable or do not agree on the potential impact of this missense change (SIFT: "Deleterious"; PolyPhen-2: "Probably Damaging"; Align-GVGD: "Class C0"). In summary, the available evidence is currently insufficient to determine the role of this variant in disease. Therefore, it has been classified as a Variant of Uncertain Significance.

NM_004370.6(COL12A1):c.1225G>C (p.Gly409Arg)

Gene: COL12A1 (collagen type XII alpha 1 chain; minus strand). Cytogenetic location: 6q13.
Variant type: single nucleotide variant.
Coding change: c.1225G>C on transcript NM_004370.6 (MANE Select); coding-DNA position 1225, G replaced by C.
Protein change: p.Gly409Arg; replaces glycine 409 with arginine.
Molecular consequence: missense variant. On other transcripts: intron variant (1).
Genome position (GRCh38, 1-based): chr6:75,183,917, C>G on the plus strand (G>C on the coding strand, the complement: COL12A1 is on the minus strand). VCF-style: chr6-75183917-C-G. GRCh37 (hg19) VCF-style: chr6-75893633-C-G.
Other names: c.73+18803G>C (NM_080645.3); short protein forms G409R.
Identifiers: ClinVar variation 1925750 (VCV001925750.5), dbSNP rs2533571723, ClinGen allele CA364772683.
Genomic context (GRCh38, chr6:75,183,917, plus strand): 5'-CTTGAACTTTCATTGGCTGAGTCTTCTCCATTATTGAAATGGGTTCACTGGATGTCATTC[C>G]CTTCATGGCGGAAACACTGATCTGGTATTCTGTGTCTGCTGAGAGGTCGCGAACACTGAG-3'
Protein context (NP_004361.3, residues 399-419): EYQISVSAMK[Gly409Arg]MTSSEPISIM